The following is an entry in ClinVar:

NM_002691.4(POLD1):c.248C>T (p.Thr83Ile)

Gene: POLD1 (DNA polymerase delta 1, catalytic subunit; plus strand). Cytogenetic location: 19q13.33.
Variant type: single nucleotide variant.
Coding change: c.248C>T on transcript NM_002691.4 (MANE Select); coding-DNA position 248, C replaced by T.
Protein change: p.Thr83Ile; replaces threonine 83 with isoleucine.
Molecular consequence: missense variant. On other transcripts: non-coding transcript variant (1).
Genome position (GRCh38, 1-based): chr19:50,399,416, C>T. VCF-style: chr19-50399416-C-T. GRCh37 (hg19) VCF-style: chr19-50902673-C-T.
Other names: c.248C>T, p.Thr83Ile (NM_001256849.1, NM_001308632.1); c.248C>T (NM_002691.2); short protein forms T83I.
Identifiers: ClinVar variation 942131 (VCV000942131.10), dbSNP rs752685876, ClinGen allele CA9595663.
Genomic context (GRCh38, chr19:50,399,416, plus strand): 5'-CCCTTCCCCCACCAGGGCAGGTCCCACCATCAGCCATAGATCCTCGCTGGCTTCGGCCCA[C>T]ACCACCAGCGCTGGACCCCCAGACAGAGCCCCTCATCTTCCAACAGTTGGAGATTGACCA-3'
Protein context (NP_002682.2, residues 73-93): SAIDPRWLRP[Thr83Ile]PPALDPQTEP

ClinVar aggregate classification (germline): Uncertain significance. Review status: criteria provided, multiple submitters, no conflicts (2 of 4 stars). 2 submissions from 2 submitters: Uncertain significance (2). Last evaluated 2026-04-28.

Conditions:
Hereditary cancer-predisposing syndrome. Also called: Hereditary neoplastic syndrome; Tumor predisposition; Neoplastic Syndromes, Hereditary; Hereditary Cancer Syndrome. Identifiers: Orphanet 140162, MedGen C0027672, MeSH D009386, MONDO:0015356.
POLD1-related polyposis and colorectal cancer syndrome (CRCS10). Also called: Colorectal cancer 10; COLORECTAL CANCER, SUSCEPTIBILITY TO, ON CHROMOSOME 19q; Colorectal cancer, susceptibility to, 10. Identifiers: Orphanet 220460, MedGen C2675481, MONDO:0012953, OMIM 612591.

Allele frequency attached by ClinVar (database versions not stated): gnomAD exomes below 0.00001; TOPMed below 0.00001; ExAC 0.00001.
gnomAD v4.1: 3 of 1,614,228 alleles (0.00019%); highest among the groups gnomAD compares: South Asian, 0.0011%; no homozygotes.

Submissions (2):

Ambry Genetics
Classification: Uncertain significance for Hereditary cancer-predisposing syndrome. Last evaluated: 2026-04-28. Review status: criteria provided, single submitter. Criteria: Ambry Variant Classification Scheme 2023. Collection method: clinical testing. Allele origin: germline.
Comment: The p.T83I variant (also known as c.248C>T), located in coding exon 2 of the POLD1 gene, results from a C to T substitution at nucleotide position 248. The threonine at codon 83 is replaced by isoleucine, an amino acid with similar properties. This amino acid position is conserved. In addition, this alteration is predicted to be tolerated by in silico analysis. Based on the available evidence, the clinical significance of this variant remains unclear.

Labcorp Genetics (formerly Invitae), Labcorp
Classification: Uncertain significance for POLD1-related polyposis and colorectal cancer syndrome. Last evaluated: 2025-06-30. Review status: criteria provided, single submitter. Criteria: Invitae Variant Classification Sherloc (09022015). Collection method: clinical testing. Allele origin: germline.
Comment: This sequence change replaces threonine, which is neutral and polar, with isoleucine, which is neutral and non-polar, at codon 83 of the POLD1 protein (p.Thr83Ile). This variant is present in population databases (rs752685876, gnomAD 0.003%). This variant has not been reported in the literature in individuals affected with POLD1-related conditions. ClinVar contains an entry for this variant (Variation ID: 942131). Invitae Evidence Modeling of protein sequence and biophysical properties (such as structural, functional, and spatial information, amino acid conservation, physicochemical variation, residue mobility, and thermodynamic stability) indicates that this missense variant is not expected to disrupt POLD1 protein function with a negative predictive value of 80%. In summary, the available evidence is currently insufficient to determine the role of this variant in disease. Therefore, it has been classified as a Variant of Uncertain Significance.